The following is an entry in ClinVar:

ClinVar aggregate classification (germline): Likely pathogenic (1 of 4 stars; one submission).

Submission:

Quest Diagnostics Nichols Institute San Juan Capistrano
Classification: Likely pathogenic. Last evaluated: 2019-09-09. Review status: criteria provided, single submitter. Criteria: Quest Diagnostics criteria. Collection method: clinical testing. Allele origin: unknown.
Comment: Not found in the total gnomAD dataset, and the data is high quality. Found in at least one patient with expected phenotype for this gene. Predicted to have a damaging effect on the protein. One other pathogenic or likely pathogenic variant affects the same amino acid Assessment of experimental evidence suggests this variant results in abnormal protein function.

Literature cited by the submitters: PubMed 25738994; PubMed 30976996.

NM_001354712.2(THRB):c.949G>T (p.Ala317Ser)

Gene: THRB (thyroid hormone receptor beta; minus strand). Cytogenetic location: 3p24.2.
Variant type: single nucleotide variant.
Coding change: c.949G>T on transcript NM_001354712.2 (MANE Select); coding-DNA position 949, G replaced by T.
Protein change: p.Ala317Ser; replaces alanine 317 with serine.
Molecular consequence: missense variant.
Genome position (GRCh38, 1-based): chr3:24,127,694, C>A on the plus strand (G>T on the coding strand, the complement: THRB is on the minus strand). VCF-style: chr3-24127694-C-A. GRCh37 (hg19) VCF-style: chr3-24169185-C-A.
Other names: c.949G>T, p.Ala317Ser (NM_000461.5, NM_001128176.3, NM_001128177.2 and 12 more transcripts); c.856G>T, p.Ala286Ser (NM_001354714.2, NM_001354715.2); short protein forms A286S, A317S.
Identifiers: ClinVar variation 993243 (VCV000993243.1), dbSNP rs121918690, ClinGen allele CA351888893.